The following is an entry in ClinVar:

NM_022552.5(DNMT3A):c.1796A>C (p.Glu599Ala)

Gene: DNMT3A (DNA methyltransferase 3 alpha; minus strand). Cytogenetic location: 2p23.3.
Variant type: single nucleotide variant.
Coding change: c.1796A>C on transcript NM_022552.5 (MANE Select); coding-DNA position 1796, A replaced by C.
Protein change: p.Glu599Ala; replaces glutamic acid 599 with alanine.
Molecular consequence: missense variant. On other transcripts: non-coding transcript variant (1).
Genome position (GRCh38, 1-based): chr2:25,244,210, T>G on the plus strand (A>C on the coding strand, the complement: DNMT3A is on the minus strand). VCF-style: chr2-25244210-T-G. GRCh37 (hg19) VCF-style: chr2-25467079-T-G.
Other names: c.1340A>C, p.Glu447Ala (NM_001320893.1); c.1127A>C, p.Glu376Ala (NM_001375819.1); c.1229A>C, p.Glu410Ala (NM_153759.3); c.1796A>C, p.Glu599Ala (NM_175629.2); short protein forms E376A, E410A, E447A, E599A.
Identifiers: ClinVar variation 3841808 (VCV003841808.1).

ClinVar aggregate classification (germline): Uncertain significance (1 of 4 stars; one submission).

Conditions:
Inborn genetic diseases. Identifiers: MedGen C0950123, MeSH D030342.

Submission:

Ambry Genetics
Classification: Uncertain significance for Inborn genetic diseases. Last evaluated: 2025-03-02. Review status: criteria provided, single submitter. Criteria: Ambry Variant Classification Scheme 2023. Collection method: clinical testing. Allele origin: germline.
Comment: The p.E599A variant (also known as c.1796A>C), located in coding exon 14 of the DNMT3A gene, results from an A to C substitution at nucleotide position 1796. The glutamic acid at codon 599 is replaced by alanine, an amino acid with dissimilar properties. This amino acid position is conserved. In addition, this alteration is predicted to be tolerated by in silico analysis. Based on the available evidence, the clinical significance of this variant remains unclear.